The following is an entry in ClinVar:

NM_002317.7(LOX):c.545del (p.Pro182fs)

Genes: LOX (lysyl oxidase; minus strand), SRFBP1 (serum response factor binding protein 1; plus strand). Cytogenetic location: 5q23.1.
Variant type: Deletion.
Coding change: c.545del on transcript NM_002317.7 (MANE Select); coding-DNA position 545, one base deleted (C; older notation c.545delC).
Protein change: p.Pro182fs; shifts the reading frame from proline 182.
Molecular consequence: frameshift variant.
Genome position (GRCh38, 1-based): chr5:122,077,441, G deleted on the plus strand (C on the coding strand, the reverse complement: LOX is on the minus strand); the first of 3 consecutive G bases (chr5:122,077,441-122,077,443); deleting any one gives the same sequence. VCF-style (leftmost placement, unchanged base first): chr5-122077440-AG-A. GRCh37 (hg19) VCF-style: chr5-121413135-AG-A.
Other names: short protein forms P182fs.
Identifiers: ClinVar variation 624061 (VCV000624061.47), dbSNP rs1372924173, ClinGen allele CA562695571.
Genomic context (GRCh38, chr5:122,077,440, plus strand): 5'-TCCGGGCCGGTACCTGCCCCCAGGTCTGGGCCTTTCATAAGTATCGTAGTAGTTGTAATA[AG>A]GGTTGTCGTCAGAGTACTTGTAGGGGTTGTAAGGGTCGTCGCCCACCATGCCGTCCACGC-3'

ClinVar aggregate classification (germline): Pathogenic/Likely pathogenic. Review status: criteria provided, multiple submitters, no conflicts (2 of 4 stars). 2 submissions from 2 submitters: Pathogenic (1); Likely pathogenic (1). Last evaluated 2022-08-26.

Submissions (2):

Labcorp Genetics (formerly Invitae), Labcorp
Classification: Pathogenic. Last evaluated: 2022-08-26. Review status: criteria provided, single submitter. Criteria: Invitae Variant Classification Sherloc (09022015). Collection method: clinical testing. Allele origin: germline.
Comment: This sequence change creates a premature translational stop signal (p.Pro182Leufs*55) in the LOX gene. It is expected to result in an absent or disrupted protein product. Loss-of-function variants in LOX are known to be pathogenic (PMID: 12417550, 26838787, 27432961). This variant is present in population databases (no rsID available, gnomAD 0.0009%). This variant has not been reported in the literature in individuals affected with LOX-related conditions. ClinVar contains an entry for this variant (Variation ID: 624061). For these reasons, this variant has been classified as Pathogenic.

CeGaT Center for Human Genetics Tuebingen
Classification: Likely pathogenic. Last evaluated: 2018-05-01. Review status: criteria provided, single submitter. Criteria: CeGaT Center For Human Genetics Tuebingen Variant Classification Criteria Version 2. Collection method: clinical testing. Allele origin: germline. Affected: yes. Observed: 3 variant alleles.

Literature cited by the submitters: PubMed 12417550 (cited by Labcorp Genetics (formerly Invitae), Labcorp); PubMed 26838787 (cited by Labcorp Genetics (formerly Invitae), Labcorp); PubMed 27432961 (cited by Labcorp Genetics (formerly Invitae), Labcorp).